The following is an entry in ClinVar:

ClinVar aggregate classification (germline): Uncertain significance (1 of 4 stars; one submission).

Conditions:
Hereditary cancer-predisposing syndrome. Also called: Neoplastic Syndromes, Hereditary; Hereditary Cancer Syndrome; Tumor predisposition; Hereditary neoplastic syndrome. Identifiers: Orphanet 140162, MedGen C0027672, MeSH D009386, MONDO:0015356.

Allele frequency attached by ClinVar (database versions not stated): TOPMed below 0.00001; gnomAD 0.00001.
gnomAD v4.1: 2 of 1,613,864 alleles (0.00012%); highest among the groups gnomAD compares: East Asian, 0.0045%; no homozygotes.

Submission:

Labcorp Genetics (formerly Invitae), Labcorp
Classification: Uncertain significance for Hereditary cancer-predisposing syndrome. Last evaluated: 2019-04-26. Review status: criteria provided, single submitter. Criteria: Invitae Variant Classification Sherloc (09022015). Collection method: clinical testing. Allele origin: germline.
Comment: In summary, the available evidence is currently insufficient to determine the role of this variant in disease. Therefore, it has been classified as a Variant of Uncertain Significance. Algorithms developed to predict the effect of sequence changes on RNA splicing suggest that this variant may create or strengthen a splice site, but this prediction has not been confirmed by published transcriptional studies. Algorithms developed to predict the effect of missense changes on protein structure and function output the following: SIFT: "Tolerated"; PolyPhen-2: "Benign"; Align-GVGD: "Class C0". The glycine amino acid residue is found in multiple mammalian species, suggesting that this missense change does not adversely affect protein function. These predictions have not been confirmed by published functional studies and their clinical significance is uncertain. This variant has not been reported in the literature in individuals with RAD50-related disease. This variant is not present in population databases (ExAC no frequency). This sequence change replaces serine with glycine at codon 865 of the RAD50 protein (p.Ser865Gly). The serine residue is moderately conserved and there is a small physicochemical difference between serine and glycine.

NM_005732.4(RAD50):c.2593A>G (p.Ser865Gly)

Gene: RAD50 (RAD50 double strand break repair protein; plus strand). Cytogenetic location: 5q31.1.
Variant type: single nucleotide variant.
Coding change: c.2593A>G on transcript NM_005732.4 (MANE Select); coding-DNA position 2593, A replaced by G.
Protein change: p.Ser865Gly; replaces serine 865 with glycine.
Molecular consequence: missense variant.
Genome position (GRCh38, 1-based): chr5:132,604,874, A>G. VCF-style: chr5-132604874-A-G. GRCh37 (hg19) VCF-style: chr5-131940566-A-G.
Other names: short protein forms S865G.
Identifiers: ClinVar variation 572390 (VCV000572390.11), dbSNP rs1248814164, ClinGen allele CA360956480.